The following is an entry in ClinVar:

ClinVar aggregate classification (germline): Uncertain significance (1 of 4 stars; one submission).

Conditions:
Atrioventricular septal defect 5 (AVSD5). Identifiers: MedGen C3280939, MONDO:0013769, OMIM 614474.

Submission:

Labcorp Genetics (formerly Invitae), Labcorp
Classification: Uncertain significance for Atrioventricular septal defect 5. Last evaluated: 2023-12-25. Review status: criteria provided, single submitter. Criteria: Invitae Variant Classification Sherloc (09022015). Collection method: clinical testing. Allele origin: germline.
Comment: This sequence change replaces glycine, which is neutral and non-polar, with valine, which is neutral and non-polar, at codon 461 of the GATA6 protein (p.Gly461Val). This variant is not present in population databases (gnomAD no frequency). This variant has not been reported in the literature in individuals affected with GATA6-related conditions. Advanced modeling of protein sequence and biophysical properties (such as structural, functional, and spatial information, amino acid conservation, physicochemical variation, residue mobility, and thermodynamic stability) performed at Invitae indicates that this missense variant is expected to disrupt GATA6 protein function with a positive predictive value of 80%. In summary, the available evidence is currently insufficient to determine the role of this variant in disease. Therefore, it has been classified as a Variant of Uncertain Significance.

NM_005257.6(GATA6):c.1382G>T (p.Gly461Val)

Gene: GATA6 (GATA binding protein 6; plus strand). Cytogenetic location: 18q11.2.
Variant type: single nucleotide variant.
Coding change: c.1382G>T on transcript NM_005257.6 (MANE Select); coding-DNA position 1382, G replaced by T.
Protein change: p.Gly461Val; replaces glycine 461 with valine.
Molecular consequence: missense variant.
Genome position (GRCh38, 1-based): chr18:22,181,532, G>T. VCF-style: chr18-22181532-G-T. GRCh37 (hg19) VCF-style: chr18-19761493-G-T.
Other names: short protein forms G461V.
Identifiers: ClinVar variation 2705365 (VCV002705365.3), dbSNP rs2510631748, ClinGen allele CA401802438.